The following is an entry in ClinVar:

NM_006361.6(HOXB13):c.569del (p.Pro190fs)

Gene: HOXB13 (homeobox B13; minus strand). Cytogenetic location: 17q21.32.
Variant type: Deletion.
Coding change: c.569del on transcript NM_006361.6 (MANE Select); coding-DNA position 569, one base deleted (C; older notation c.569delC).
Protein change: p.Pro190fs; shifts the reading frame from proline 190.
Molecular consequence: frameshift variant.
Genome position (GRCh38, 1-based): chr17:48,728,025, G deleted on the plus strand (C on the coding strand, the reverse complement: HOXB13 is on the minus strand); the first of 3 consecutive G bases (chr17:48,728,025-48,728,027); deleting any one gives the same sequence. VCF-style (leftmost placement, unchanged base first): chr17-48728024-TG-T. GRCh37 (hg19) VCF-style: chr17-46805386-TG-T.
Other names: c.569delC (NM_006361.5); short protein forms P190fs.
Identifiers: ClinVar variation 3858435 (VCV003858435.2).

ClinVar aggregate classification (germline): Uncertain significance (1 of 4 stars; one submission).

Conditions:
Hereditary cancer-predisposing syndrome. Also called: Hereditary Cancer Syndrome; Hereditary neoplastic syndrome; Neoplastic Syndromes, Hereditary; Tumor predisposition. Identifiers: Orphanet 140162, MedGen C0027672, MeSH D009386, MONDO:0015356.

Submission:

Ambry Genetics
Classification: Uncertain significance for Hereditary cancer-predisposing syndrome. Last evaluated: 2026-07-30. Review status: criteria provided, single submitter. Criteria: Ambry Variant Classification Scheme 2023. Collection method: clinical testing. Allele origin: germline.
Comment: The c.569delC variant, located in coding exon 1 of the HOXB13 gene, results from a deletion of one nucleotide at nucleotide position 569, causing a translational frameshift with a predicted alternate stop codon (p.P190Hfs*89). This variant occurs at the 3' terminus of the gene and is not expected to trigger nonsense-mediated mRNA decay. Based on the available evidence, the clinical significance of this variant remains unclear.